The following is an entry in ClinVar:

NM_001943.5(DSG2):c.1814A>T (p.Asp605Val)

Gene: DSG2 (desmoglein 2; plus strand). Cytogenetic location: 18q12.1.
Variant type: single nucleotide variant.
Coding change: c.1814A>T on transcript NM_001943.5 (MANE Select); coding-DNA position 1814, A replaced by T.
Protein change: p.Asp605Val; replaces aspartic acid 605 with valine.
Molecular consequence: missense variant.
Genome position (GRCh38, 1-based): chr18:31,538,913, A>T. VCF-style: chr18-31538913-A-T. GRCh37 (hg19) VCF-style: chr18-29118876-A-T.
Other names: c.1814A>T (NM_001943.3); short protein forms D605V.
Identifiers: ClinVar variation 922147 (VCV000922147.19), dbSNP rs761157959, ClinGen allele CA043761.

ClinVar aggregate classification (germline): Conflicting classifications of pathogenicity. Review status: criteria provided, conflicting classifications (1 of 4 stars). 6 submissions from 6 submitters: Uncertain significance (5); Likely benign (1). Last evaluated 2026-05-07.

Conditions:
Cardiovascular phenotype. Identifiers: MedGen CN230736.
Long QT syndrome (LQTS). Identifiers: MedGen C0023976, MeSH D008133, MONDO:0002442. Disease mechanism: loss of function. Inheritance: Various modes of inheritance.
Arrhythmogenic right ventricular cardiomyopathy (ARVD). Also called: Cardiomyopathy, ARVC; Arrhythmogenic right ventricular dysplasia; Arrhythmogenic cardiomyopathy; Arrhythmogenic Right Ventricular Cardiomyopathy (ARVC). Identifiers: Orphanet 247, MedGen C0349788, MeSH D019571, MONDO:0016587. Disease mechanism: loss of function. Inheritance: Various modes of inheritance.
Cardiomyopathy (CMYO). Also called: Cardiomyopathies. Identifiers: Orphanet 167848, MedGen C0878544, MONDO:0004994, HP:0001638. Inheritance: Various modes of inheritance.
Arrhythmogenic right ventricular dysplasia 10. Also called: Arrhythmogenic Right Ventricular Dysplasia/Cardiomyopathy10; ARRHYTHMOGENIC RIGHT VENTRICULAR DYSPLASIA, FAMILIAL, 10; Arrhythmogenic right ventricular dysplasia/cardiomyopathy, type 10. Identifiers: MedGen C1857777, MONDO:0012434, OMIM 610193.

Allele frequency attached by ClinVar (database versions not stated): gnomAD exomes 0.00001 and 0.00002; ExAC 0.00001; TOPMed 0.00001.
gnomAD v4.1: 23 of 1,613,710 alleles (0.0014%); highest among the groups gnomAD compares: Non-Finnish European, 0.0019%; no homozygotes.

Submissions (6):

Ambry Genetics
Classification: Likely benign for Cardiovascular phenotype. Last evaluated: 2026-05-07. Review status: criteria provided, single submitter. Criteria: Ambry Variant Classification Scheme 2023. Collection method: clinical testing. Allele origin: germline.

Labcorp Genetics (formerly Invitae), Labcorp
Classification: Uncertain significance for Arrhythmogenic right ventricular dysplasia 10. Last evaluated: 2025-04-14. Review status: criteria provided, single submitter. Criteria: Invitae Variant Classification Sherloc (09022015). Collection method: clinical testing. Allele origin: germline.
Comment: This sequence change replaces aspartic acid, which is acidic and polar, with valine, which is neutral and non-polar, at codon 605 of the DSG2 protein (p.Asp605Val). This variant is present in population databases (rs761157959, gnomAD 0.002%). This variant has not been reported in the literature in individuals affected with DSG2-related conditions. ClinVar contains an entry for this variant (Variation ID: 922147). Invitae Evidence Modeling of protein sequence and biophysical properties (such as structural, functional, and spatial information, amino acid conservation, physicochemical variation, residue mobility, and thermodynamic stability) indicates that this missense variant is not expected to disrupt DSG2 protein function with a negative predictive value of 95%. In summary, the available evidence is currently insufficient to determine the role of this variant in disease. Therefore, it has been classified as a Variant of Uncertain Significance.

All of Us Research Program, National Institutes of Health
Classification: Uncertain significance for Arrhythmogenic right ventricular cardiomyopathy. Last evaluated: 2024-07-10. Review status: criteria provided, single submitter. Criteria: ACMG Guidelines, 2015. Collection method: clinical testing. Allele origin: germline. Inheritance: Autosomal dominant inheritance. Observed: 2 variant alleles, 2 heterozygotes.
Comment: This missense variant replaces aspartic acid with valine at codon 605 of the DSG2 protein. Computational prediction suggests that this variant may not impact protein structure and function (internally defined REVEL score threshold <= 0.5, PMID: 27666373). To our knowledge, functional studies have not been reported for this variant. This variant has not been reported in individuals affected with DSG2-related disorders in the literature. This variant has been identified in 2/249124 chromosomes in the general population by the Genome Aggregation Database (gnomAD). The available evidence is insufficient to determine the role of this variant in disease conclusively. Therefore, this variant is classified as a Variant of Uncertain Significance.

This study involves interpretation of variants in research participants for the purpose of population health screening. Participant phenotype was not available at the time of variant classification. Additional details can be found in publication PMID: 35346344, PMCID: PMC8962531

Color Diagnostics, LLC DBA Color Health
Classification: Uncertain significance for Cardiomyopathy. Last evaluated: 2024-03-06. Review status: criteria provided, single submitter. Criteria: ACMG Guidelines, 2015. Collection method: clinical testing. Allele origin: germline.
Comment: This missense variant replaces aspartic acid with valine at codon 605 of the DSG2 protein. Computational prediction suggests that this variant may not impact protein structure and function (internally defined REVEL score threshold <= 0.5, PMID: 27666373). To our knowledge, functional studies have not been reported for this variant. This variant has not been reported in individuals affected with DSG2-related disorders in the literature. This variant has been identified in 2/249124 chromosomes in the general population by the Genome Aggregation Database (gnomAD). The available evidence is insufficient to determine the role of this variant in disease conclusively. Therefore, this variant is classified as a Variant of Uncertain Significance.

GeneDx
Classification: Uncertain significance. Last evaluated: 2024-02-22. Review status: criteria provided, single submitter. Criteria: GeneDx Variant Classification Process June 2021. Collection method: clinical testing. Allele origin: germline. Affected: yes.
Comment: Has not been previously published as pathogenic or benign to our knowledge; Not observed at significant frequency in large population cohorts (gnomAD); In silico analysis supports that this missense variant has a deleterious effect on protein structure/function

Dept of Medical Biology, Uskudar University
Classification: Uncertain significance for Long QT syndrome. Last evaluated: 2024-01-08. Review status: criteria provided, single submitter. Criteria: Dept of Medical Biology Variant Classification. Collection method: research. Allele origin: maternal. Affected: yes. Observed: 1 variant allele.
Comment: Criteria: PM2, BP4